The following is an entry in ClinVar:

ClinVar aggregate classification (germline): Pathogenic (1 of 4 stars; one submission).

Conditions:
Hereditary breast ovarian cancer syndrome. Also called: Hereditary breast and ovarian cancer syndrome; Hereditary breast and ovarian cancer syndrome (HBOC); BRCA1- and BRCA2-Associated Hereditary Breast and Ovarian Cancer; Hereditary breast and/or ovarian cancer syndrome; Hereditary breast and ovarian cancer; Breast and ovarian cancer. Identifiers: Orphanet 145, MedGen C0677776, MeSH D061325, MONDO:0003582. Disease mechanism: loss of function.

Submission:

Labcorp Genetics (formerly Invitae), Labcorp
Classification: Pathogenic for Hereditary breast ovarian cancer syndrome. Last evaluated: 2018-06-18. Review status: criteria provided, single submitter. Criteria: Invitae Variant Classification Sherloc (09022015). Collection method: clinical testing. Allele origin: germline.
Comment: This sequence change creates a premature translational stop signal (p.Thr1399Ilefs*6) in the BRCA1 gene. It is expected to result in an absent or disrupted protein product. This variant is not present in population databases (ExAC no frequency). This variant has not been reported in the literature in individuals with BRCA1-related disease. Loss-of-function variants in BRCA1 are known to be pathogenic (PMID: 20104584). For these reasons, this variant has been classified as Pathogenic.

Literature cited by the submitters: PubMed 20104584.

NM_007294.4(BRCA1):c.4196_4197delinsT (p.Thr1399fs)

Gene: BRCA1 (BRCA1 DNA repair associated; minus strand). Cytogenetic location: 17q21.31.
Variant type: Indel.
Coding change: c.4196_4197delinsT on transcript NM_007294.4 (MANE Select); coding-DNA positions 4196 to 4197, CC replaced by T.
Protein change: p.Thr1399fs; shifts the reading frame from threonine 1399.
Molecular consequence: frameshift variant. On other transcripts: non-coding transcript variant (1).
Genome position (GRCh38, 1-based): chr17:43,082,564-43,082,565, GG replaced by A on the plus strand (CC replaced by T on the coding strand, the reverse complement: BRCA1 is on the minus strand). VCF-style: chr17-43082564-GG-A. GRCh37 (hg19) VCF-style: chr17-41234581-GG-A.
Other names: c.4196_4197delCCinsT, p.Thr1399Ilefs (NM_001407594.1, NM_001407581.1, NM_001407582.1 and 22 more transcripts); c.4070_4071delCCinsT, p.Thr1357Ilefs (NM_001407689.1, NM_001407649.1, NM_001407670.1 and 12 more transcripts); c.4067_4068delCCinsT, p.Thr1356Ilefs (NM_001407690.1, NM_001407691.1, NM_001407685.1 and 2 more transcripts); c.4055_4056delCCinsT, p.Thr1352Ilefs (NM_001407696.1, NM_001407698.1, NM_001407694.1 and 22 more transcripts); c.3983_3984delCCinsT, p.Thr1328Ilefs (NM_001407571.1, NM_001407853.1, NM_001407894.1 and 12 more transcripts); c.4193_4194delCCinsT, p.Thr1398Ilefs (NM_001407587.1, NM_001407590.1, NM_001407591.1 and 21 more transcripts); c.4190_4191delCCinsT, p.Thr1397Ilefs (NM_001407627.1, NM_001407628.1, NM_001407629.1 and 5 more transcripts); c.4184_4185delCCinsT, p.Thr1395Ilefs (NM_001407646.1, NM_001407647.1); and 54 more; short protein forms T296fs, T1352fs, T1399fs.
Identifiers: ClinVar variation 580402 (VCV000580402.7), dbSNP rs886040213, ClinGen allele CA891844426.